The following is an entry in ClinVar:

ClinVar aggregate classification (germline): Pathogenic/Likely pathogenic. Review status: criteria provided, multiple submitters, no conflicts (2 of 4 stars). 2 submissions from 2 submitters: Pathogenic (1); Likely pathogenic (1). Last evaluated 2024-11-04.

Conditions:
Hypertrophic cardiomyopathy. Also called: HYPERTROPHIC MYOCARDIOPATHY. Identifiers: Orphanet 217569, MedGen C0007194, MeSH D002312, MONDO:0005045, HP:0001639.

Submissions (2):

GeneDx
Classification: Likely pathogenic. Last evaluated: 2024-11-04. Review status: criteria provided, single submitter. Criteria: GeneDx Variant Classification Process June 2021. Collection method: clinical testing. Allele origin: germline. Affected: yes.
Comment: Canonical splice site variant predicted to result in an in-frame loss of the adjacent exon in a gene for which loss of function is a known mechanism of disease; Not observed at significant frequency in large population cohorts (gnomAD); This variant is associated with the following publications: (PMID: 27532257, 25611685, 37652022)

Laboratory for Molecular Medicine, Mass General Brigham Personalized Medicine
Classification: Pathogenic for Hypertrophic cardiomyopathy. Last evaluated: 2015-05-12. Review status: criteria provided, single submitter. Criteria: LMM Criteria. Collection method: clinical testing. Allele origin: germline. Inheritance: Autosomal dominant inheritance. Observed: 3 variant alleles.
Comment: Data from large population studies are insufficient to a ssess the frequency of this variant. This variant occurs in the invariant region (+/- 1,2) of the splice consensus sequence and is predicted to cause altered sp licing leading to an abnormal or absent protein. Heterozygous loss of function o f the MYBPC3 gene is an established disease mechanism in individuals with HCM. I n summary, this variant meets our criteria to be classified as pathogenic for HC M in an autosomal dominant manner (LMM) based on the predicted impact to the protein.

NM_000256.3(MYBPC3):c.2737+2T>A

Gene: MYBPC3 (myosin binding protein C3; minus strand). Cytogenetic location: 11p11.2.
Variant type: single nucleotide variant.
Coding change: c.2737+2T>A on transcript NM_000256.3 (MANE Select); the canonical splice donor site of the intron after coding-DNA position 2737, T replaced by A.
Molecular consequence: splice donor variant.
Genome position (GRCh38, 1-based): chr11:47,335,875, A>T on the plus strand (T>A on the coding strand, the complement: MYBPC3 is on the minus strand). VCF-style: chr11-47335875-A-T. GRCh37 (hg19) VCF-style: chr11-47357426-A-T.
Identifiers: ClinVar variation 164063 (VCV000164063.5), dbSNP rs727503184, ClinGen allele CA012903.